The following is an entry in ClinVar:

ClinVar aggregate classification (germline): Uncertain significance (1 of 4 stars; one submission).

Conditions:
Long QT syndrome (LQTS). Identifiers: MedGen C0023976, MeSH D008133, MONDO:0002442. Disease mechanism: loss of function. Inheritance: Various modes of inheritance.

gnomAD v4.1: 54 of 1,569,234 alleles (0.0034%); highest among the groups gnomAD compares: Non-Finnish European, 0.0047%; no homozygotes.

Submission:

Labcorp Genetics (formerly Invitae), Labcorp
Classification: Uncertain significance for Long QT syndrome. Last evaluated: 2025-04-22. Review status: criteria provided, single submitter. Criteria: Invitae Variant Classification Sherloc (09022015). Collection method: clinical testing. Allele origin: germline.
Comment: This sequence change creates a premature translational stop signal (p.Tyr20*) in the CACNA1C gene. It is expected to result in an absent or disrupted protein product. However, the current clinical and genetic evidence is not sufficient to establish whether loss-of-function variants in CACNA1C cause disease. This variant is present in population databases (rs781275687, gnomAD 0.001%). This variant has not been reported in the literature in individuals affected with CACNA1C-related conditions. ClinVar contains an entry for this variant (Variation ID: 3654125). In summary, the available evidence is currently insufficient to determine the role of this variant in disease. Therefore, it has been classified as a Variant of Uncertain Significance.

NM_000719.7(CACNA1C):c.60T>G (p.Tyr20Ter)

Gene: CACNA1C (calcium voltage-gated channel subunit alpha1 C; plus strand). Cytogenetic location: 12p13.33.
Variant type: single nucleotide variant.
Coding change: c.60T>G on transcript NM_000719.7 (MANE Select); coding-DNA position 60, T replaced by G.
Protein change: p.Tyr20Ter; replaces tyrosine 20 with a stop codon.
Molecular consequence: nonsense.
Genome position (GRCh38, 1-based): chr12:2,115,234, T>G. VCF-style: chr12-2115234-T-G. GRCh37 (hg19) VCF-style: chr12-2224400-T-G.
Other names: c.60T>G, p.Tyr20Ter (NM_001129827.2, NM_001129829.2, NM_001129830.3 and 19 more transcripts); short protein forms Y20*.
Identifiers: ClinVar variation 3654125 (VCV003654125.2).